The following is an entry in ClinVar:

ClinVar aggregate classification (germline): Uncertain significance. Review status: criteria provided, multiple submitters, no conflicts (2 of 4 stars). 2 submissions from 2 submitters: Uncertain significance (2). Last evaluated 2025-07-16.

Conditions:
Inborn genetic diseases. Identifiers: MedGen C0950123, MeSH D030342.
Myofibrillar myopathy 3 (MFM3). Also called: Autosomal dominant spheroid body myopathy; Muscular dystrophy, proximal, type 1A. Identifiers: Orphanet 266, Orphanet 268129, MedGen C3714934, MONDO:0012215, OMIM 609200.

Allele frequency attached by ClinVar (database versions not stated): gnomAD exomes below 0.00001; gnomAD 0.00002; TOPMed 0.00003.
gnomAD v4.1: 7 of 1,614,116 alleles (0.00043%); highest among the groups gnomAD compares: African/African-American, 0.0093%; no homozygotes.

Submissions (2):

Ambry Genetics
Classification: Uncertain significance for Inborn genetic diseases. Last evaluated: 2025-07-16. Review status: criteria provided, single submitter. Criteria: Ambry Variant Classification Scheme 2023. Collection method: clinical testing. Allele origin: germline.

Labcorp Genetics (formerly Invitae), Labcorp
Classification: Uncertain significance for Myofibrillar myopathy 3. Last evaluated: 2022-02-02. Review status: criteria provided, single submitter. Criteria: Invitae Variant Classification Sherloc (09022015). Collection method: clinical testing. Allele origin: germline.
Comment: In summary, the available evidence is currently insufficient to determine the role of this variant in disease. Therefore, it has been classified as a Variant of Uncertain Significance. Algorithms developed to predict the effect of missense changes on protein structure and function are either unavailable or do not agree on the potential impact of this missense change (SIFT: "Deleterious"; PolyPhen-2: "Benign"; Align-GVGD: "Class C15"). This variant has not been reported in the literature in individuals affected with MYOT-related conditions. This variant is present in population databases (no rsID available, gnomAD 0.01%). This sequence change replaces glutamine, which is neutral and polar, with histidine, which is basic and polar, at codon 254 of the MYOT protein (p.Gln254His).

NM_006790.3(MYOT):c.762A>C (p.Gln254His)

Genes: MYOT (myotilin; plus strand), PKD2L2-DT (PKD2L2 divergent transcript; minus strand). Cytogenetic location: 5q31.2.
Variant type: single nucleotide variant.
Coding change: c.762A>C on transcript NM_006790.3 (MANE Select); coding-DNA position 762, A replaced by C.
Protein change: p.Gln254His; replaces glutamine 254 with histidine.
Molecular consequence: missense variant.
Genome position (GRCh38, 1-based): chr5:137,882,051, A>C. VCF-style: chr5-137882051-A-C. GRCh37 (hg19) VCF-style: chr5-137217740-A-C.
Other names: c.762A>C (NM_006790.2); c.210A>C, p.Gln70His (NM_001135940.2); c.417A>C, p.Gln139His (NM_001300911.2); short protein forms Q139H, Q254H, Q70H.
Identifiers: ClinVar variation 1462429 (VCV001462429.9), dbSNP rs983379755, ClinGen allele CA128104622.